The following is an entry in ClinVar:

ClinVar aggregate classification (germline): Uncertain significance (1 of 4 stars; one submission).

Conditions:
Combined oxidative phosphorylation defect type 17. Also called: Combined oxidative phosphorylation deficiency 17. Identifiers: Orphanet 369913, MedGen C3809526, MONDO:0014190, OMIM 615440.

Allele frequency attached by ClinVar (database versions not stated): gnomAD exomes below 0.00001.

Submission:

Labcorp Genetics (formerly Invitae), Labcorp
Classification: Uncertain significance for Combined oxidative phosphorylation defect type 17. Last evaluated: 2022-03-14. Review status: criteria provided, single submitter. Criteria: Invitae Variant Classification Sherloc (09022015). Collection method: clinical testing. Allele origin: germline.
Comment: This sequence change replaces leucine, which is neutral and non-polar, with phenylalanine, which is neutral and non-polar, at codon 422 of the ELAC2 protein (p.Leu422Phe). This variant is present in population databases (no rsID available, gnomAD 0.0009%). This variant has not been reported in the literature in individuals affected with ELAC2-related conditions. Algorithms developed to predict the effect of missense changes on protein structure and function are either unavailable or do not agree on the potential impact of this missense change (SIFT: "Deleterious"; PolyPhen-2: "Possibly Damaging"; Align-GVGD: "Class C0"). This variant disrupts the p.Leu422 amino acid residue in ELAC2. Other variant(s) that disrupt this residue have been determined to be pathogenic (PMID: 31045291). This suggests that this residue is clinically significant, and that variants that disrupt this residue are likely to be disease-causing. In summary, the available evidence is currently insufficient to determine the role of this variant in disease. Therefore, it has been classified as a Variant of Uncertain Significance.

Literature cited by the submitters: PubMed 31045291.

NM_018127.7(ELAC2):c.1264C>T (p.Leu422Phe)

Gene: ELAC2 (elaC ribonuclease Z 2; minus strand). Cytogenetic location: 17p12.
Variant type: single nucleotide variant.
Coding change: c.1264C>T on transcript NM_018127.7 (MANE Select); coding-DNA position 1264, C replaced by T.
Protein change: p.Leu422Phe; replaces leucine 422 with phenylalanine.
Molecular consequence: missense variant.
Genome position (GRCh38, 1-based): chr17:13,002,314, G>A on the plus strand (C>T on the coding strand, the complement: ELAC2 is on the minus strand). VCF-style: chr17-13002314-G-A. GRCh37 (hg19) VCF-style: chr17-12905631-G-A.
Other names: c.1144C>T, p.Leu382Phe (NM_001165962.2); c.1261C>T, p.Leu421Phe (NM_173717.2); short protein forms L382F, L421F, L422F.
Identifiers: ClinVar variation 1363518 (VCV001363518.3), dbSNP rs1311991142, ClinGen allele CA398225180.